The following is an entry in ClinVar:

ClinVar aggregate classification (germline): Uncertain significance (1 of 4 stars; one submission).

Submission:

Labcorp Genetics (formerly Invitae), Labcorp
Classification: Uncertain significance. Last evaluated: 2024-12-27. Review status: criteria provided, single submitter. Criteria: Invitae Variant Classification Sherloc (09022015). Collection method: clinical testing. Allele origin: germline.
Comment: This sequence change creates a premature translational stop signal (p.Glu107Argfs*38) in the WNK4 gene. It is expected to result in an absent or disrupted protein product. However, the current clinical and genetic evidence is not sufficient to establish whether loss-of-function variants in WNK4 cause disease. This variant is not present in population databases (gnomAD no frequency). This variant has not been reported in the literature in individuals affected with WNK4-related conditions. In summary, the available evidence is currently insufficient to determine the role of this variant in disease. Therefore, it has been classified as a Variant of Uncertain Significance.

NM_032387.5(WNK4):c.318dup (p.Glu107fs)

Gene: WNK4 (WNK lysine deficient protein kinase 4; plus strand). Cytogenetic location: 17q21.2.
Variant type: Duplication.
Coding change: c.318dup on transcript NM_032387.5 (MANE Select); coding-DNA position 318, one base duplicated (C; older notation c.318dupC).
Protein change: p.Glu107fs; shifts the reading frame from glutamic acid 107.
Molecular consequence: frameshift variant. On other transcripts: 5 prime UTR variant (1).
Genome position (GRCh38, 1-based): chr17:42,781,016, C duplicated; the last of 6 consecutive C bases (chr17:42,781,011-42,781,016); duplicating any one gives the same sequence. VCF-style (leftmost placement, unchanged base first): chr17-42781010-A-AC. GRCh37 (hg19) VCF-style: chr17-40933028-A-AC.
Other names: c.-602dup (NM_001321299.2); short protein forms E107fs.
Identifiers: ClinVar variation 3674048 (VCV003674048.2).
Genomic context (GRCh38, chr17:42,781,010, plus strand): 5'-CGATCCTCCGGACTCCGCTGGTCCTGGCCCCGCGAGGAGCCCACCGCCTAGCTCCAAAGA[A>AC]CCCCCCGAGGGCACGTGGACCGAGGGAGCCCCTGTGAAGGCTGCGGAAGACTCCGCGCGT-3'